The following is an entry in ClinVar:

ClinVar aggregate classification (germline): Uncertain significance. Review status: criteria provided, multiple submitters, no conflicts (2 of 4 stars). 2 submissions from 2 submitters: Uncertain significance (2). Last evaluated 2020-03-26.

Conditions:
Atrial fibrillation, familial, 18 (ATFB18). Identifiers: MedGen C4310636, MONDO:0015001, OMIM 617280.

Allele frequency attached by ClinVar (database versions not stated): gnomAD exomes below 0.00001.
gnomAD v4.1: 1 of 1,614,192 alleles (0.000062%); highest among the groups gnomAD compares: East Asian, 0.0022%; no homozygotes.

Submissions (2):

Blueprint Genetics
Classification: Uncertain significance. Last evaluated: 2020-03-26. Review status: criteria provided, single submitter. Criteria: ACMG Guidelines, 2015. Collection method: clinical testing. Allele origin: germline.

Labcorp Genetics (formerly Invitae), Labcorp
Classification: Uncertain significance for Atrial fibrillation, familial, 18. Last evaluated: 2019-07-22. Review status: criteria provided, single submitter. Criteria: Invitae Variant Classification Sherloc (09022015). Collection method: clinical testing. Allele origin: germline.
Comment: In summary, the available evidence is currently insufficient to determine the role of this variant in disease. Therefore, it has been classified as a Variant of Uncertain Significance. Algorithms developed to predict the effect of sequence changes on RNA splicing suggest that this variant may create or strengthen a splice site, but this prediction has not been confirmed by published transcriptional studies. Algorithms developed to predict the effect of missense changes on protein structure and function (SIFT, PolyPhen-2, Align-GVGD) all suggest that this variant is likely to be tolerated, but these predictions have not been confirmed by published functional studies and their clinical significance is uncertain. This sequence change replaces methionine with valine at codon 71 of the MYL4 protein (p.Met71Val). The methionine residue is moderately conserved and there is a small physicochemical difference between methionine and valine. This variant is not present in population databases (ExAC no frequency). This variant has not been reported in the literature in individuals with MYL4-related conditions.

NM_002476.2(MYL4):c.211A>G (p.Met71Val)

Gene: MYL4 (myosin light chain 4; plus strand). Cytogenetic location: 17q21.32.
Variant type: single nucleotide variant.
Coding change: c.211A>G on transcript NM_002476.2 (MANE Select); coding-DNA position 211, A replaced by G.
Protein change: p.Met71Val; replaces methionine 71 with valine.
Molecular consequence: missense variant.
Genome position (GRCh38, 1-based): chr17:47,219,951, A>G. VCF-style: chr17-47219951-A-G. GRCh37 (hg19) VCF-style: chr17-45297317-A-G.
Other names: c.211A>G, p.Met71Val (NM_001002841.2); short protein forms M71V.
Identifiers: ClinVar variation 957068 (VCV000957068.10), dbSNP rs2064842715, ClinGen allele CA400020896.